The following is an entry in ClinVar:

ClinVar aggregate classification (germline): Uncertain significance (1 of 4 stars; one submission).

Conditions:
Muscular dystrophy-dystroglycanopathy (congenital with brain and eye anomalies), type a, 11 (MDDGA11). Also called: WALKER-WARBURG SYNDROME OR MUSCLE-EYE-BRAIN DISEASE, B3GALNT2-RELATED; Congenital muscular dystrophy-dystroglycanopathy with brain and eye anomalies, type A11; Muscular dystrophy-dystroglycanopathy (congenital with brain and eye anomalies, type A, 11. Identifiers: Orphanet 588, Orphanet 899, MedGen C3554638, MONDO:0014071, OMIM 615181.

Submission:

Labcorp Genetics (formerly Invitae), Labcorp
Classification: Uncertain significance for Muscular dystrophy-dystroglycanopathy (congenital with brain and eye anomalies), type a, 11. Last evaluated: 2022-05-10. Review status: criteria provided, single submitter. Criteria: Invitae Variant Classification Sherloc (09022015). Collection method: clinical testing. Allele origin: germline.
Comment: In summary, the available evidence is currently insufficient to determine the role of this variant in disease. Therefore, it has been classified as a Variant of Uncertain Significance. This variant results in a copy number gain of the genomic region encompassing exon(s) 9-12 of the B3GALNT2 gene. This region includes the termination codon of the gene. This copy number gain extends beyond the assayed region for this gene and therefore may encompass additional genes. As the precise location of this event is unknown, it may be in tandem or it may be located elsewhere in the genome. This variant has not been reported in the literature in individuals affected with B3GALNT2-related conditions.

NC_000001.10:g.(?_235543365)_(235619016_?)dup

Genes: B3GALNT2 (beta-1,3-N-acetylgalactosaminyltransferase 2; minus strand), TBCE (tubulin folding cofactor E; plus strand). Cytogenetic location: 1q42.3.
Variant type: Duplication.
Identifiers: ClinVar variation 2427393 (VCV002427393.5).